The following is an entry in ClinVar:

ClinVar aggregate classification (germline): Likely benign. Review status: criteria provided, multiple submitters, no conflicts (2 of 4 stars). 2 submissions from 2 submitters: Likely benign (2). Last evaluated 2024-11-13.

Allele frequency attached by ClinVar (database versions not stated): ExAC 0.00104; gnomAD 0.00256; ESP Exome Variant Server 0.00266; 1000 Genomes Project 0.00359; 1000 Genomes Project 30x 0.00375.
gnomAD v4.1: 791 of 1,605,048 alleles (0.049%); highest among the groups gnomAD compares: African/African-American, 0.9%; 5 homozygotes.

Submissions (2):

Blueprint Genetics
Classification: Likely benign. Last evaluated: 2024-11-13. Review status: criteria provided, single submitter. Criteria: ACMG Guidelines, 2015. Collection method: clinical testing. Allele origin: germline.

CeGaT Center for Human Genetics Tuebingen
Classification: Likely benign. Last evaluated: 2023-10-01. Review status: criteria provided, single submitter. Criteria: CeGaT Center For Human Genetics Tuebingen Variant Classification Criteria Version 2. Collection method: clinical testing. Allele origin: germline. Affected: yes. Observed: 2 variant alleles.
Comment: INTS1: BP4, BP7, BS2

NM_001080453.3(INTS1):c.4425G>T (p.Gly1475=)

Gene: INTS1 (integrator complex subunit 1; minus strand). Cytogenetic location: 7p22.3.
Variant type: single nucleotide variant.
Coding change: c.4425G>T on transcript NM_001080453.3 (MANE Select); coding-DNA position 4425, G replaced by T.
Protein change: p.Gly1475=; no amino-acid change (glycine 1475 retained).
Molecular consequence: synonymous variant.
Genome position (GRCh38, 1-based): chr7:1,478,790, C>A on the plus strand (G>T on the coding strand, the complement: INTS1 is on the minus strand). VCF-style: chr7-1478790-C-A. GRCh37 (hg19) VCF-style: chr7-1518426-C-A.
Other names: c.942G>T, p.Gly314= (NM_015674.1).
Identifiers: ClinVar variation 2657189 (VCV002657189.25), dbSNP rs201144021, ClinGen allele CA4118860.